The following is an entry in ClinVar:

ClinVar aggregate classification (germline): Uncertain significance. Review status: criteria provided, multiple submitters, no conflicts (2 of 4 stars). 2 submissions from 2 submitters: Uncertain significance (2). Last evaluated 2024-04-22.

Conditions:
Hajdu-Cheney syndrome (HJCYS). Also called: SERPENTINE FIBULA-POLYCYSTIC KIDNEY SYNDROME; Acroosteolysis dominant type; ACROOSTEOLYSIS WITH OSTEOPOROSIS AND CHANGES IN SKULL AND MANDIBLE. Identifiers: Orphanet 955, MedGen C0917715, MONDO:0007057, OMIM 102500.

Submissions (2):

Labcorp Genetics (formerly Invitae), Labcorp
Classification: Uncertain significance for Hajdu-Cheney syndrome. Last evaluated: 2024-04-22. Review status: criteria provided, single submitter. Criteria: Invitae Variant Classification Sherloc (09022015). Collection method: clinical testing. Allele origin: germline.
Comment: This sequence change replaces serine, which is neutral and polar, with proline, which is neutral and non-polar, at codon 1070 of the NOTCH2 protein (p.Ser1070Pro). This variant is not present in population databases (gnomAD no frequency). This variant has not been reported in the literature in individuals affected with NOTCH2-related conditions. ClinVar contains an entry for this variant (Variation ID: 1028810). Advanced modeling of protein sequence and biophysical properties (such as structural, functional, and spatial information, amino acid conservation, physicochemical variation, residue mobility, and thermodynamic stability) performed at Invitae indicates that this missense variant is not expected to disrupt NOTCH2 protein function with a negative predictive value of 80%. In summary, the available evidence is currently insufficient to determine the role of this variant in disease. Therefore, it has been classified as a Variant of Uncertain Significance.

Baylor Genetics
Classification: Uncertain significance for Hajdu-Cheney syndrome. Last evaluated: 2020-07-31. Review status: criteria provided, single submitter. Criteria: ACMG Guidelines, 2015. Collection method: clinical testing. Allele origin: unknown. Affected: yes.
Comment: This variant was determined to be of uncertain significance according to ACMG Guidelines, 2015 [PMID:25741868].

NM_024408.4(NOTCH2):c.3208T>C (p.Ser1070Pro)

Gene: NOTCH2 (notch receptor 2; minus strand). Cytogenetic location: 1p12.
Variant type: single nucleotide variant.
Coding change: c.3208T>C on transcript NM_024408.4 (MANE Select); coding-DNA position 3208, T replaced by C.
Protein change: p.Ser1070Pro; replaces serine 1070 with proline.
Molecular consequence: missense variant.
Genome position (GRCh38, 1-based): chr1:119,937,986, A>G on the plus strand (T>C on the coding strand, the complement: NOTCH2 is on the minus strand). VCF-style: chr1-119937986-A-G. GRCh37 (hg19) VCF-style: chr1-120480609-A-G.
Other names: c.3208T>C, p.Ser1070Pro (NM_001200001.2); short protein forms S1070P.
Identifiers: ClinVar variation 1028810 (VCV001028810.4), dbSNP rs1649920831, ClinGen allele CA341853028.